The following is an entry in ClinVar:

NM_004387.4(NKX2-5):c.435C>A (p.Phe145Leu)

Gene: NKX2-5 (NK2 homeobox 5; minus strand). Cytogenetic location: 5q35.1.
Variant type: single nucleotide variant.
Coding change: c.435C>A on transcript NM_004387.4 (MANE Select); coding-DNA position 435, C replaced by A.
Protein change: p.Phe145Leu; replaces phenylalanine 145 with leucine.
Molecular consequence: missense variant. On other transcripts: 3 prime UTR variant (2).
Genome position (GRCh38, 1-based): chr5:173,233,109, G>T on the plus strand (C>A on the coding strand, the complement: NKX2-5 is on the minus strand). VCF-style: chr5-173233109-G-T. GRCh37 (hg19) VCF-style: chr5-172660112-G-T.
Other names: c.*388C>A (NM_001166175.2); c.*234C>A (NM_001166176.2); short protein forms F145L.
Identifiers: ClinVar variation 2582145 (VCV002582145.1), dbSNP rs758277832, ClinGen allele CA362161872.
Genomic context (GRCh38, chr5:173,233,109, plus strand): 5'-GGCCGACAGGTACCGCTGCTGCTTGAAGCGCCGCTCCAGCTCATAGACCTGCGCCTGCGA[G>T]AAGAGCACGCGCGGCTTCCTCCGCCGTCGCGCCCGGGGCCGCTCCGCGTTGTCCGCCTCT-3'
Protein context (NP_004378.1, residues 135-155): ARRRRKPRVL[Phe145Leu]SQAQVYELER

ClinVar aggregate classification (germline): Uncertain significance (1 of 4 stars; one submission).

Submission:

GeneDx
Classification: Uncertain significance. Last evaluated: 2023-03-29. Review status: criteria provided, single submitter. Criteria: GeneDx Variant Classification Process June 2021. Collection method: clinical testing. Allele origin: germline. Affected: yes.
Comment: Not observed at significant frequency in large population cohorts (gnomAD); In silico analysis supports that this missense variant has a deleterious effect on protein structure/function; Has not been previously published as pathogenic or benign to our knowledge